The following is an entry in ClinVar:

NM_130837.3(OPA1):c.125A>G (p.His42Arg)

Gene: OPA1 (OPA1 mitochondrial dynamin like GTPase; plus strand). Cytogenetic location: 3q29.
Variant type: single nucleotide variant.
Coding change: c.125A>G on transcript NM_130837.3 (MANE Select); coding-DNA position 125, A replaced by G.
Protein change: p.His42Arg; replaces histidine 42 with arginine.
Molecular consequence: missense variant. On other transcripts: 5 prime UTR variant (2).
Genome position (GRCh38, 1-based): chr3:193,614,815, A>G. VCF-style: chr3-193614815-A-G. GRCh37 (hg19) VCF-style: chr3-193332604-A-G.
Other names: c.-248A>G (NM_001354663.2, NM_001354664.2); c.125A>G, p.His42Arg (NM_015560.3, NM_130831.3, NM_130832.3 and 4 more transcripts); short protein forms H42R.
Identifiers: ClinVar variation 5000512 (VCV005000512.1).

ClinVar aggregate classification (germline): Uncertain significance (1 of 4 stars; one submission).

Conditions:
OPA1-related disorder. Also called: OPA1-related disorders; OPA1-related condition.

gnomAD v4.1: 1 of 1,606,566 alleles (0.000062%); highest among the groups gnomAD compares: Non-Finnish European, 0.000085%; no homozygotes.

Submission:

PreventionGenetics, part of Exact Sciences
Classification: Uncertain significance for OPA1-related condition. Last evaluated: 2025-05-07. Review status: criteria provided, single submitter. Criteria: ACMG Guidelines, 2015. Collection method: clinical testing. Allele origin: germline.
Comment: The OPA1 c.125A>G variant is predicted to result in the amino acid substitution p.His42Arg. To our knowledge, this variant has not been reported in the literature or in a large population database (gnomAD), indicating this variant is rare. At this time, the clinical significance of this variant is uncertain due to the absence of conclusive functional and genetic evidence.